The following is an entry in ClinVar:

ClinVar aggregate classification (germline): Uncertain significance (0 of 4 stars; one submission).

Allele frequency attached by ClinVar (database versions not stated): TOPMed 0.00001; gnomAD exomes 0.00001 and below 0.00001; ExAC 0.00001.
gnomAD v4.1: 4 of 1,605,496 alleles (0.00025%); highest among the groups gnomAD compares: Non-Finnish European, 0.00034%; no homozygotes.

Submission:

Martin Pollak Laboratory,  Beth Israel Deaconess Medical Center
Classification: Uncertain significance. Review status: no assertion criteria provided. Collection method: not provided. Allele origin: unknown.
Comment: Lower UCa2+ group
ClinVar note: Converted during submission from unknown to Uncertain significance.

NM_000085.5(CLCNKB):c.71C>T (p.Pro24Leu)

Gene: CLCNKB (chloride voltage-gated channel Kb; plus strand). Cytogenetic location: 1p36.13.
Variant type: single nucleotide variant.
Coding change: c.71C>T on transcript NM_000085.5 (MANE Select); coding-DNA position 71, C replaced by T.
Protein change: p.Pro24Leu; replaces proline 24 with leucine.
Molecular consequence: missense variant.
Genome position (GRCh38, 1-based): chr1:16,044,563, C>T. VCF-style: chr1-16044563-C-T. GRCh37 (hg19) VCF-style: chr1-16371058-C-T.
Other names: short protein forms P24L.
Identifiers: ClinVar variation 64381 (VCV000064381.2), dbSNP rs387907412, ClinGen allele CA216014.